The following is an entry in ClinVar:

NM_024422.6(DSC2):c.914C>A (p.Thr305Asn)

Gene: DSC2 (desmocollin 2; minus strand). Cytogenetic location: 18q12.1.
Variant type: single nucleotide variant.
Coding change: c.914C>A on transcript NM_024422.6 (MANE Select); coding-DNA position 914, C replaced by A.
Protein change: p.Thr305Asn; replaces threonine 305 with asparagine.
Molecular consequence: missense variant.
Genome position (GRCh38, 1-based): chr18:31,086,604, G>T on the plus strand (C>A on the coding strand, the complement: DSC2 is on the minus strand). VCF-style: chr18-31086604-G-T. GRCh37 (hg19) VCF-style: chr18-28666567-G-T.
Other names: c.485C>A, p.Thr162Asn (NM_001406506.1, NM_001406507.1); c.914C>A, p.Thr305Asn (NM_004949.5); short protein forms T162N, T305N.
Identifiers: ClinVar variation 4756997 (VCV004756997.1).

ClinVar aggregate classification (germline): Uncertain significance (1 of 4 stars; one submission).

Conditions:
Cardiomyopathy (CMYO). Also called: Cardiomyopathies. Identifiers: Orphanet 167848, MedGen C0878544, MONDO:0004994, HP:0001638. Inheritance: Various modes of inheritance.

gnomAD v4.1: 1 of 1,613,984 alleles (0.000062%); highest among the groups gnomAD compares: Non-Finnish European, 0.000085%; no homozygotes.

Submission:

Color Diagnostics, LLC DBA Color Health
Classification: Uncertain significance for Cardiomyopathy. Last evaluated: 2025-06-23. Review status: criteria provided, single submitter. Criteria: ACMG Guidelines, 2015. Collection method: clinical testing. Allele origin: germline.
Comment: This missense variant replaces threonine with asparagine at codon 305 of the DSC2 protein. Computational prediction suggests that this variant may not impact protein structure and function. To our knowledge, functional studies have not been reported for this variant. This variant has not been reported in individuals affected with DSC2-related disorders in the literature. This variant has not been identified in the general population by the Genome Aggregation Database (gnomAD). The available evidence is insufficient to determine the role of this variant in disease conclusively. Therefore, this variant is classified as a Variant of Uncertain Significance.